The following is an entry in ClinVar:

NM_020800.3(IFT80):c.317G>C (p.Cys106Ser)

Genes: IFT80 (intraflagellar transport 80; minus strand), TRIM59-IFT80 (TRIM59-IFT80 readthrough (NMD candidate); minus strand). Cytogenetic location: 3q25.33.
Variant type: single nucleotide variant.
Coding change: c.317G>C on transcript NM_020800.3 (MANE Select); coding-DNA position 317, G replaced by C.
Protein change: p.Cys106Ser; replaces cysteine 106 with serine.
Molecular consequence: missense variant. On other transcripts: non-coding transcript variant (2), 5 prime UTR variant (2).
Genome position (GRCh38, 1-based): chr3:160,377,483, C>G on the plus strand (G>C on the coding strand, the complement: IFT80 is on the minus strand). VCF-style: chr3-160377483-C-G. GRCh37 (hg19) VCF-style: chr3-160095271-C-G.
Other names: c.-95G>C (NM_001190241.2, NM_001190242.2); short protein forms C106S.
Identifiers: ClinVar variation 2038979 (VCV002038979.4), dbSNP rs2473496616, ClinGen allele CA355194302.

ClinVar aggregate classification (germline): Uncertain significance (1 of 4 stars; one submission).

Conditions:
Jeune thoracic dystrophy. Also called: Short-rib thoracic dysplasia; Jeune syndrome; Infantile thoracic dystrophy; Thoracic pelvic phalangeal dystrophy; Jeune's syndrome; Chondroectodermal dysplasia-like syndrome. Identifiers: Orphanet 474, MedGen C0265275, MONDO:0018770.

Submission:

Labcorp Genetics (formerly Invitae), Labcorp
Classification: Uncertain significance for Jeune thoracic dystrophy. Last evaluated: 2024-12-02. Review status: criteria provided, single submitter. Criteria: Invitae Variant Classification Sherloc (09022015). Collection method: clinical testing. Allele origin: germline.
Comment: This sequence change replaces cysteine, which is neutral and slightly polar, with serine, which is neutral and polar, at codon 106 of the IFT80 protein (p.Cys106Ser). This variant is not present in population databases (gnomAD no frequency). This variant has not been reported in the literature in individuals affected with IFT80-related conditions. ClinVar contains an entry for this variant (Variation ID: 2038979). An algorithm developed to predict the effect of missense changes on protein structure and function outputs the following: PolyPhen-2: "Benign". The serine amino acid residue is found in multiple mammalian species, which suggests that this missense change does not adversely affect protein function. In summary, the available evidence is currently insufficient to determine the role of this variant in disease. Therefore, it has been classified as a Variant of Uncertain Significance.